The following is an entry in ClinVar:

NM_001002294.3(FMO3):c.16del (p.Ala6fs)

Gene: FMO3 (flavin containing dimethylaniline monoxygenase 3; plus strand). Cytogenetic location: 1q24.3.
Variant type: Deletion.
Coding change: c.16del on transcript NM_001002294.3 (MANE Select); coding-DNA position 16, one base deleted (G; older notation c.16delG).
Protein change: p.Ala6fs; shifts the reading frame from alanine 6.
Molecular consequence: frameshift variant. On other transcripts: 5 prime UTR variant (1).
Genome position (GRCh38, 1-based): chr1:171,092,674, G deleted; the last of 2 consecutive G bases (chr1:171,092,673-171,092,674); deleting either gives the same sequence. VCF-style (leftmost placement, unchanged base first): chr1-171092672-TG-T. GRCh37 (hg19) VCF-style: chr1-171061813-TG-T.
Other names: c.-172del (NM_001319173.2); c.16del, p.Ala6fs (NM_001319174.2, NM_006894.6); short protein forms A6fs.
Identifiers: ClinVar variation 2696531 (VCV002696531.3), dbSNP rs2526256749, ClinGen allele CA2697554658.

ClinVar aggregate classification (germline): Pathogenic (1 of 4 stars; one submission).

Submission:

Labcorp Genetics (formerly Invitae), Labcorp
Classification: Pathogenic. Last evaluated: 2023-11-17. Review status: criteria provided, single submitter. Criteria: Invitae Variant Classification Sherloc (09022015). Collection method: clinical testing. Allele origin: germline.
Comment: This sequence change creates a premature translational stop signal (p.Ala6Profs*7) in the FMO3 gene. It is expected to result in an absent or disrupted protein product. Loss-of-function variants in FMO3 are known to be pathogenic (PMID: 20301282). This variant is not present in population databases (gnomAD no frequency). This variant has not been reported in the literature in individuals affected with FMO3-related conditions. For these reasons, this variant has been classified as Pathogenic.

Literature cited by the submitters: PubMed 20301282.